The following is an entry in ClinVar:

NM_002382.5(MAX):c.172-189_172-188del

Gene: MAX (MYC associated factor X; minus strand). Cytogenetic location: 14q23.3.
Variant type: Microsatellite.
Coding change: c.172-189_172-188del on transcript NM_002382.5 (MANE Select); 189 bases into the intron before coding-DNA position 172 through 188 bases into the intron before coding-DNA position 172, 2 bases deleted (CT; older notation c.172-189_172-188delCT).
Molecular consequence: intron variant.
Genome position (GRCh38, 1-based): chr14:65,078,224-65,078,225, AG deleted on the plus strand (CT on the coding strand, the reverse complement: MAX is on the minus strand); deleting any 2 consecutive bases within chr14:65,078,224-65,078,227 gives the same sequence; the c. name uses the placement nearest the transcript's 3' end. VCF-style (leftmost placement, unchanged base first): chr14-65078223-CAG-C. GRCh37 (hg19) VCF-style: chr14-65544941-CAG-C.
Other names: c.144+15483_144+15484del (NM_001271069.2); c.171+15483_171+15484del (NM_197957.4); c.145-189_145-188del (NM_145112.3); c.-103-189_-103-188del (NM_001320415.2); c.172-189_172-188del (NM_145113.3).
Identifiers: ClinVar variation 676930 (VCV000676930.1), dbSNP rs373737401, ClinGen allele CA262718312.

ClinVar aggregate classification (germline): Likely benign (1 of 4 stars; one submission).

Submission:

GeneDx
Classification: Likely benign. Last evaluated: 2018-06-16. Review status: criteria provided, single submitter. Criteria: GeneDx Variant Classification (06012015). Collection method: clinical testing. Allele origin: germline. Affected: yes.
Comment: This variant is considered likely benign or benign based on one or more of the following criteria: it is a conservative change, it occurs at a poorly conserved position in the protein, it is predicted to be benign by multiple in silico algorithms, and/or has population frequency not consistent with disease.